The following is an entry in ClinVar:

NM_005732.4(RAD50):c.2293A>G (p.Lys765Glu)

Gene: RAD50 (RAD50 double strand break repair protein; plus strand). Cytogenetic location: 5q31.1.
Variant type: single nucleotide variant.
Coding change: c.2293A>G on transcript NM_005732.4 (MANE Select); coding-DNA position 2293, A replaced by G.
Protein change: p.Lys765Glu; replaces lysine 765 with glutamic acid.
Molecular consequence: missense variant.
Genome position (GRCh38, 1-based): chr5:132,603,385, A>G. VCF-style: chr5-132603385-A-G. GRCh37 (hg19) VCF-style: chr5-131939077-A-G.
Other names: short protein forms K765E.
Identifiers: ClinVar variation 2096695 (VCV002096695.4), dbSNP rs2479664950, ClinGen allele CA360954393.

ClinVar aggregate classification (germline): Uncertain significance (1 of 4 stars; one submission).

Conditions:
Hereditary cancer-predisposing syndrome. Also called: Hereditary neoplastic syndrome; Neoplastic Syndromes, Hereditary; Tumor predisposition; Hereditary Cancer Syndrome. Identifiers: Orphanet 140162, MedGen C0027672, MeSH D009386, MONDO:0015356.

Submission:

Labcorp Genetics (formerly Invitae), Labcorp
Classification: Uncertain significance for Hereditary cancer-predisposing syndrome. Last evaluated: 2022-02-11. Review status: criteria provided, single submitter. Criteria: Invitae Variant Classification Sherloc (09022015). Collection method: clinical testing. Allele origin: germline.
Comment: In summary, the available evidence is currently insufficient to determine the role of this variant in disease. Therefore, it has been classified as a Variant of Uncertain Significance. Algorithms developed to predict the effect of missense changes on protein structure and function are either unavailable or do not agree on the potential impact of this missense change (SIFT: "Tolerated"; PolyPhen-2: "Possibly Damaging"; Align-GVGD: "Class C0"). This sequence change replaces lysine, which is basic and polar, with glutamic acid, which is acidic and polar, at codon 765 of the RAD50 protein (p.Lys765Glu). This variant is not present in population databases (gnomAD no frequency). This variant has not been reported in the literature in individuals affected with RAD50-related conditions.